The following is an entry in ClinVar:

NM_000038.6(APC):c.1061C>T (p.Pro354Leu)

Gene: APC (APC regulator of Wnt signaling pathway; plus strand). Cytogenetic location: 5q22.2.
Variant type: single nucleotide variant.
Coding change: c.1061C>T on transcript NM_000038.6 (MANE Select); coding-DNA position 1061, C replaced by T.
Protein change: p.Pro354Leu; replaces proline 354 with leucine.
Molecular consequence: missense variant. On other transcripts: intron variant (4).
Genome position (GRCh38, 1-based): chr5:112,819,093, C>T. VCF-style: chr5-112819093-C-T. GRCh37 (hg19) VCF-style: chr5-112154790-C-T.
Other names: c.1061C>T, p.Pro354Leu (NM_001127510.3, NM_001354895.2, NM_001354896.2); c.1007C>T, p.Pro336Leu (NM_001127511.3); c.1091C>T, p.Pro364Leu (NM_001354897.2); c.986C>T, p.Pro329Leu (NM_001354898.2); c.977C>T, p.Pro326Leu (NM_001354899.2); c.884C>T, p.Pro295Leu (NM_001354900.2, NM_001354901.2); c.212C>T, p.Pro71Leu (NM_001354906.2); c.964-176C>T (NM_001354902.2); and 3 more; short protein forms P336L, P354L, P326L, P295L, P329L, P364L, P71L.
Identifiers: ClinVar variation 411497 (VCV000411497.10), dbSNP rs1060503337, ClinGen allele CA16023636.

ClinVar aggregate classification (germline): Uncertain significance (1 of 4 stars; one submission).

Conditions:
Familial adenomatous polyposis 1 (FAP1). Also called: FAMILIAL ADENOMATOUS POLYPOSIS 1, ATTENUATED; POLYPOSIS, ADENOMATOUS INTESTINAL. Identifiers: MedGen C2713442, MONDO:0021056, OMIM 175100. Disease mechanism: loss of function.

Allele frequency attached by ClinVar (database versions not stated): gnomAD exomes below 0.00001.
gnomAD v4.1: 1 of 1,614,110 alleles (0.000062%); highest among the groups gnomAD compares: Non-Finnish European, 0.000085%; no homozygotes.

Submission:

Labcorp Genetics (formerly Invitae), Labcorp
Classification: Uncertain significance for Familial adenomatous polyposis 1. Last evaluated: 2018-04-08. Review status: criteria provided, single submitter. Criteria: Invitae Variant Classification Sherloc (09022015). Collection method: clinical testing. Allele origin: germline.
Comment: This sequence change replaces proline with leucine at codon 354 of the APC protein (p.Pro354Leu). The proline residue is highly conserved and there is a moderate physicochemical difference between proline and leucine. This variant is not present in population databases (ExAC no frequency). This variant has not been reported in the literature in individuals with APC-related disease. ClinVar contains an entry for this variant (Variation ID: 411497). Algorithms developed to predict the effect of missense changes on protein structure and function (SIFT, PolyPhen-2, Align-GVGD) all suggest that this variant is likely to be disruptive, but these predictions have not been confirmed by published functional studies and their clinical significance is uncertain. In summary, the available evidence is currently insufficient to determine the role of this variant in disease. Therefore, it has been classified as a Variant of Uncertain Significance.